The following is an entry in ClinVar:

ClinVar aggregate classification (germline): Uncertain significance. Review status: criteria provided, multiple submitters, no conflicts (2 of 4 stars). 6 submissions from 6 submitters: Uncertain significance (6). Last evaluated 2026-09-08.

Conditions:
Cardiovascular phenotype. Identifiers: MedGen CN230736.
Fabry disease. Also called: Fabry's disease; ALPHA-GALACTOSIDASE A DEFICIENCY; ANDERSON-FABRY DISEASE; CERAMIDE TRIHEXOSIDASE DEFICIENCY; GLA DEFICIENCY; HEREDITARY DYSTOPIC LIPIDOSIS. Identifiers: Orphanet 324, MedGen C0002986, MONDO:0010526, OMIM 301500, HP:0001071. Disease mechanism: Fabry disease is due to inactivating mutations in the X-linked GLA gene resulting in deficiency of the enzyme Alpha Galactosidase-A., loss of function.

Allele frequency attached by ClinVar (database versions not stated): TOPMed below 0.00001; gnomAD exomes 0.00001; gnomAD 0.00002.
gnomAD v4.1: 2 of 1,208,030 alleles (0.00017%); highest among the groups gnomAD compares: Non-Finnish European, 0.00022%; no homozygotes.

Submissions (6):

Genomenon, Inc
Classification: Uncertain significance for Fabry disease. Last evaluated: 2026-09-08. Review status: criteria provided, single submitter. Criteria: Genomenon Sequence Variant Interpretation Standards - Updated. Collection method: curation. Allele origin: germline. Affected: no.
Comment: GLA p.Glu398Lys (c.1192G>A) is a missense variant that changes the amino acid at codon 398 from Glutamic acid to Lysine. This variant has been reported in the published literature (PMID:12175777;15924232;15712228;27657681). It is absent or not present at a significant frequency in gnomAD. In conclusion, we classify GLA p.Glu398Lys (c.1192G>A) as a variant of uncertain significance.

Ambry Genetics
Classification: Uncertain significance for Cardiovascular phenotype. Last evaluated: 2023-12-14. Review status: criteria provided, single submitter. Criteria: Ambry Variant Classification Scheme 2023. Collection method: clinical testing. Allele origin: germline.
Comment: The p.E398K variant (also known as c.1192G>A), located in coding exon 7 of the GLA gene, results from a G to A substitution at nucleotide position 1192. The glutamic acid at codon 398 is replaced by lysine, an amino acid with similar properties. Additionally, an in vitro assay showed this variant has 63% enzyme activity compared to wild-type (Benjamin ER et al. Genet Med, 2017 Apr;19:430-438). Based on data from gnomAD, the A allele has an overall frequency of 0.0010% (2/205639) total alleles studied, with 1 hemizygote(s) observed. The highest observed frequency was 0.0022% (2/92832) of European (non-Finnish) alleles. This amino acid position is not well conserved in available vertebrate species. In addition, the in silico prediction for this alteration is inconclusive. Since supporting evidence is limited at this time, the clinical significance of this alteration remains unclear.

Labcorp Genetics (formerly Invitae), Labcorp
Classification: Uncertain significance for Fabry disease. Last evaluated: 2022-06-14. Review status: criteria provided, single submitter. Criteria: Invitae Variant Classification Sherloc (09022015). Collection method: clinical testing. Allele origin: germline.
Comment: This sequence change replaces glutamic acid, which is acidic and polar, with lysine, which is basic and polar, at codon 398 of the GLA protein (p.Glu398Lys). This variant is present in population databases (no rsID available, gnomAD 0.002%). This missense change has been observed in individual(s) with GLA-related conditions (PMID: 12175777). ClinVar contains an entry for this variant (Variation ID: 446069). Algorithms developed to predict the effect of missense changes on protein structure and function (SIFT, PolyPhen-2, Align-GVGD) all suggest that this variant is likely to be tolerated. In summary, the available evidence is currently insufficient to determine the role of this variant in disease. Therefore, it has been classified as a Variant of Uncertain Significance.

Genome-Nilou Lab
Classification: Uncertain significance for Fabry disease. Last evaluated: 2021-07-15. Review status: criteria provided, single submitter. Criteria: ACMG Guidelines, 2015. Collection method: clinical testing. Allele origin: germline. Affected: no.

Color Diagnostics, LLC DBA Color Health
Classification: Uncertain significance for Fabry disease. Last evaluated: 2019-09-26. Review status: criteria provided, single submitter. Criteria: ACMG Guidelines, 2015. Collection method: clinical testing. Allele origin: germline.
Comment: This missense variant replaces glutamic acid with lysine at codon 398 of the GLA protein. Computational prediction is inconclusive regarding the impact of this variant on protein structure and function (internally defined REVEL score threshold 0.5 < inconclusive < 0.7, PMID: 27666373). Splice site prediction tools suggest that this variant may not impact RNA splicing. To our knowledge, functional studies have not been performed for this variant. This variant has been reported in an individual affected with Fabry disease (PMID: 12175777). This variant has been identified in 2/205639 chromosomes in the general population by the Genome Aggregation Database (gnomAD). The available evidence is insufficient to determine the role of this variant in disease conclusively. Therefore, this variant is classified as a Variant of Uncertain Significance.

Center for Pediatric Genomic Medicine, Children's Mercy Hospital and Clinics
Classification: Uncertain significance. Last evaluated: 2017-09-05. Review status: criteria provided, single submitter. Criteria: ACMG Guidelines, 2015. Collection method: clinical testing. Allele origin: germline.

Literature cited by the submitters: PubMed 12175777 (cited by 3 submitters); PubMed 15924232 (cited by Genomenon, Inc); PubMed 15712228 (cited by Genomenon, Inc and Ambry Genetics); PubMed 27657681 (cited by Genomenon, Inc and Ambry Genetics).

NM_000169.3(GLA):c.1192G>A (p.Glu398Lys)

Genes: GLA (galactosidase alpha; minus strand), RPL36A-HNRNPH2 (RPL36A-HNRNPH2 readthrough; plus strand). Cytogenetic location: Xq22.1.
Variant type: single nucleotide variant.
Coding change: c.1192G>A on transcript NM_000169.3 (MANE Select); coding-DNA position 1192, G replaced by A.
Protein change: p.Glu398Lys; replaces glutamic acid 398 with lysine.
Molecular consequence: missense variant. On other transcripts: non-coding transcript variant (3), intron variant (2).
Genome position (GRCh38, 1-based): chrX:101,397,907, C>T on the plus strand (G>A on the coding strand, the complement: GLA is on the minus strand). VCF-style: chrX-101397907-C-T. GRCh37 (hg19) VCF-style: chrX-100652895-C-T.
Other names: c.1315G>A, p.Glu439Lys (NM_001406747.1); c.300+2450C>T (NM_001199973.2); c.177+6085C>T (NM_001199974.2); short protein forms E398K, E439K.
Identifiers: ClinVar variation 446069 (VCV000446069.11), dbSNP rs104894844, ClinGen allele CA413919662.